The following is an entry in ClinVar:

NM_000475.5(NR0B1):c.1350del (p.Arg450fs)

Gene: NR0B1 (nuclear receptor subfamily 0 group B member 1; minus strand). Cytogenetic location: Xp21.2.
Variant type: Deletion.
Coding change: c.1350del on transcript NM_000475.5 (MANE Select); coding-DNA position 1350, one base deleted (G; older notation c.1350delG).
Protein change: p.Arg450fs; shifts the reading frame from arginine 450.
Molecular consequence: frameshift variant.
Genome position (GRCh38, 1-based): chrX:30,304,642, C deleted on the plus strand (G on the coding strand, the reverse complement: NR0B1 is on the minus strand); the first of 2 consecutive C bases (chrX:30,304,642-30,304,643); deleting either gives the same sequence. VCF-style (leftmost placement, unchanged base first): chrX-30304641-GC-G. GRCh37 (hg19) VCF-style: chrX-30322758-GC-G.
Other names: short protein forms R450fs.
Identifiers: ClinVar variation 1806119 (VCV001806119.1), dbSNP rs2519049304, ClinGen allele CA1139532854.

ClinVar aggregate classification (germline): Pathogenic (1 of 4 stars; one submission).

Conditions:
Congenital adrenal hypoplasia, X-linked (AHC). Also called: Isolated X-Linked Adrenal Hypoplasia Congenita; ADRENAL HYPOPLASIA, CONGENITAL, WITH HYPOGONADOTROPIC HYPOGONADISM; X-linked AHC; X-Linked Adrenal Hypoplasia Congenita. Identifiers: Orphanet 95702, MedGen C0342482, MONDO:0010264, OMIM 300200. Disease mechanism: loss of function.

Submission:

Victorian Clinical Genetics Services, Murdoch Childrens Research Institute
Classification: Pathogenic for Congenital adrenal hypoplasia, X-linked. Last evaluated: 2020-10-19. Review status: criteria provided, single submitter. Criteria: ACMG Guidelines, 2015. Collection method: clinical testing. Allele origin: germline. Inheritance: X-linked recessive inheritance. Affected: yes.
Comment: Based on the classification scheme VCGS_Germline_v1.3.3, this variant is classified as Pathogenic. Following criteria are met: 0102 - Loss of function is a known mechanism of disease in this gene and is associated with adrenal hypoplasia, congenital (MIM#300200). (I) 0109 - This gene is associated with X-linked recessive disease. (I) 0205 - Variant is predicted to result in a truncated protein (premature termination codon is NOT located at least 54 nucleotides upstream of the final exon-exon junction) with less than 1/3 of the protein sequence affected. (SP) 0253 - This variant is hemizygous. (I) 0301 - Variant is absent from gnomAD (both v2 and v3). (SP) 0702 - Other downstream truncating variants comparable to the one identified in this case have strong previous evidence for pathogenicity (ClinVar; PMID: 8855822, 17587282). (SP) 0807 - This variant has no previous evidence of pathogenicity. (I) 0905 - No published segregation evidence has been identified for this variant. (I) 1007 - No published functional evidence has been identified for this variant. (I) 1102 - Strong phenotype match for this individual. (SP) 1208 - Inheritance information for this variant is not currently available in this individual. (I) Legend: (SP) - Supporting pathogenic, (I) - Information, (SB) - Supporting benign

Literature cited by the submitters: PubMed 8855822; PubMed 17587282.